The following is an entry in ClinVar:

ClinVar aggregate classification (germline): Uncertain significance (1 of 4 stars; one submission).

Conditions:
Autoimmune lymphoproliferative syndrome type 2B. Also called: AUTOIMMUNE LYMPHOPROLIFERATIVE SYNDROME, TYPE IIB. Identifiers: Orphanet 275517, MedGen C1846545, MONDO:0011804, OMIM 607271.

Allele frequency attached by ClinVar (database versions not stated): gnomAD exomes 0.00001; ExAC 0.00002.
gnomAD v4.1: 4 of 1,613,802 alleles (0.00025%); highest among the groups gnomAD compares: Non-Finnish European, 0.00034%; no homozygotes.

Submission:

Labcorp Genetics (formerly Invitae), Labcorp
Classification: Uncertain significance for Autoimmune lymphoproliferative syndrome type 2B. Last evaluated: 2019-07-15. Review status: criteria provided, single submitter. Criteria: Invitae Variant Classification Sherloc (09022015). Collection method: clinical testing. Allele origin: germline.
Comment: This sequence change replaces glutamic acid with glycine at codon 87 of the CASP8 protein (p.Glu87Gly). The glutamic acid residue is weakly conserved and there is a moderate physicochemical difference between glutamic acid and glycine. This variant is present in population databases (rs763043263, ExAC 0.003%). This variant has not been reported in the literature in individuals with CASP8-related conditions. Algorithms developed to predict the effect of missense changes on protein structure and function are either unavailable or do not agree on the potential impact of this missense change (SIFT: "Tolerated"; PolyPhen-2: "Possibly Damaging"; Align-GVGD: "Class C0"). In summary, the available evidence is currently insufficient to determine the role of this variant in disease. Therefore, it has been classified as a Variant of Uncertain Significance.

NM_001372051.1(CASP8):c.260A>G (p.Glu87Gly)

Gene: CASP8 (caspase 8; plus strand). Cytogenetic location: 2q33.1.
Variant type: single nucleotide variant.
Coding change: c.260A>G on transcript NM_001372051.1 (MANE Select); coding-DNA position 260, A replaced by G.
Protein change: p.Glu87Gly; replaces glutamic acid 87 with glycine.
Molecular consequence: missense variant. On other transcripts: 5 prime UTR variant (9), non-coding transcript variant (22), intron variant (3).
Genome position (GRCh38, 1-based): chr2:201,266,746, A>G. VCF-style: chr2-201266746-A-G. GRCh37 (hg19) VCF-style: chr2-202131469-A-G.
Other names: c.260A>G, p.Glu87Gly (NM_001080124.2, NM_001228.5, NM_001400645.1 and 21 more transcripts); c.437A>G, p.Glu146Gly (NM_001080125.2, NM_001400642.1, NM_001400665.1); c.-273A>G (NM_001400671.1, NM_001400673.1, NM_001400676.1 and 4 more transcripts); c.-454A>G (NM_001400674.1); c.-352A>G (NM_001400680.1); c.-4-4770A>G (NM_001400669.1); c.-227-4770A>G (NM_001400672.1, NM_001400675.1); short protein forms E87G, E146G.
Identifiers: ClinVar variation 957397 (VCV000957397.10), dbSNP rs763043263, ClinGen allele CA2053469.
Genomic context (GRCh38, chr2:201,266,746, plus strand): 5'-TCCGAATTAATAGACTGGATTTGCTGATTACCTACCTAAACACTAGAAAGGAGGAGATGG[A>G]AAGGGAACTTCAGACACCAGGCAGGGCTCAAATTTCTGCCTACAGGTGGGTGGAAACTCC-3'
Protein context (NP_001358980.1, residues 77-97): TYLNTRKEEM[Glu87Gly]RELQTPGRAQ